The following is an entry in ClinVar:

NM_000466.3(PEX1):c.2489A>G (p.Asn830Ser)

Gene: PEX1 (peroxisomal biogenesis factor 1; minus strand). Cytogenetic location: 7q21.2.
Variant type: single nucleotide variant.
Coding change: c.2489A>G on transcript NM_000466.3 (MANE Select); coding-DNA position 2489, A replaced by G.
Protein change: p.Asn830Ser; replaces asparagine 830 with serine.
Molecular consequence: missense variant.
Genome position (GRCh38, 1-based): chr7:92,501,601, T>C on the plus strand (A>G on the coding strand, the complement: PEX1 is on the minus strand). VCF-style: chr7-92501601-T-C. GRCh37 (hg19) VCF-style: chr7-92130915-T-C.
Other names: c.2318A>G, p.Asn773Ser (NM_001282677.2); c.1865A>G, p.Asn622Ser (NM_001282678.2); short protein forms N622S, N830S, N773S.
Identifiers: ClinVar variation 2145239 (VCV002145239.3), dbSNP rs928440904, ClinGen allele CA161960008.

ClinVar aggregate classification (germline): Uncertain significance (1 of 4 stars; one submission).

Conditions:
Zellweger spectrum disorders (ZS). Also called: Zellweger syndrome; Zellweger Spectrum Disorder; Zellweger Spectrum; Zellweger Spectrum Disorder (ZSD). Identifiers: Orphanet 912, MedGen C0043459, MONDO:0019609.

Allele frequency attached by ClinVar (database versions not stated): gnomAD 0.00001; gnomAD exomes 0.00001; TOPMed 0.00001.
gnomAD v4.1: 9 of 1,613,852 alleles (0.00056%); highest among the groups gnomAD compares: East Asian, 0.0022%; no homozygotes.

Submission:

Labcorp Genetics (formerly Invitae), Labcorp
Classification: Uncertain significance for Zellweger spectrum disorders. Last evaluated: 2024-11-18. Review status: criteria provided, single submitter. Criteria: Invitae Variant Classification Sherloc (09022015). Collection method: clinical testing. Allele origin: germline.
Comment: This sequence change replaces asparagine, which is neutral and polar, with serine, which is neutral and polar, at codon 830 of the PEX1 protein (p.Asn830Ser). This variant is not present in population databases (gnomAD no frequency). This variant has not been reported in the literature in individuals affected with PEX1-related conditions. ClinVar contains an entry for this variant (Variation ID: 2145239). Invitae Evidence Modeling of protein sequence and biophysical properties (such as structural, functional, and spatial information, amino acid conservation, physicochemical variation, residue mobility, and thermodynamic stability) indicates that this missense variant is not expected to disrupt PEX1 protein function with a negative predictive value of 95%. In summary, the available evidence is currently insufficient to determine the role of this variant in disease. Therefore, it has been classified as a Variant of Uncertain Significance.